The following is an entry in ClinVar:

ClinVar aggregate classification (germline): Benign (1 of 4 stars; one submission).

Allele frequency attached by ClinVar (database versions not stated): gnomAD exomes 0.01518 and 0.03875; ExAC 0.04053; gnomAD 0.05982 and 0.05957; TOPMed 0.06991; 1000 Genomes Project 30x 0.09681; 1000 Genomes Project 0.09984; ESP Exome Variant Server 0.05684.
gnomAD v4.1: 31,793 of 1,609,532 alleles (2%); highest among the groups gnomAD compares: East Asian, 18%; 2,100 homozygotes.

Submission:

GeneDx
Classification: Benign. Last evaluated: 2018-06-14. Review status: criteria provided, single submitter. Criteria: GeneDx Variant Classification (06012015). Collection method: clinical testing. Allele origin: germline. Affected: yes.
Comment: This variant is considered likely benign or benign based on one or more of the following criteria: it is a conservative change, it occurs at a poorly conserved position in the protein, it is predicted to be benign by multiple in silico algorithms, and/or has population frequency not consistent with disease.

NM_001371727.1(GABRB2):c.679+23A>C

Gene: GABRB2 (gamma-aminobutyric acid type A receptor subunit beta2; minus strand). Cytogenetic location: 5q34.
Variant type: single nucleotide variant.
Coding change: c.679+23A>C on transcript NM_001371727.1 (MANE Select); 23 bases into the intron after coding-DNA position 679, A replaced by C.
Molecular consequence: intron variant.
Genome position (GRCh38, 1-based): chr5:161,336,609, T>G on the plus strand (A>C on the coding strand, the complement: GABRB2 is on the minus strand). VCF-style: chr5-161336609-T-G. GRCh37 (hg19) VCF-style: chr5-160763616-T-G.
Other names: c.679+23A>C (NM_000813.3, NM_021911.3).
Identifiers: ClinVar variation 672888 (VCV000672888.1), dbSNP rs2303055, ClinGen allele CA3543507.